The following is an entry in ClinVar:

ClinVar aggregate classification (germline): Likely pathogenic (1 of 4 stars; one submission).

Conditions:
Coenzyme Q10 deficiency, primary, 1. Also called: UBIQUINONE DEFICIENCY 1; COENZYME Q DEFICIENCY 1; CoQ DEFICIENCY 1. Identifiers: Orphanet 255249, MedGen C3551954, MONDO:0011829, OMIM 607426.

gnomAD v4.1: 2 of 1,593,722 alleles (0.00013%); highest among the groups gnomAD compares: East Asian, 0.0045%; no homozygotes.

Submission:

Juno Genomics, Hangzhou Juno Genomics, Inc
Classification: Likely pathogenic for Coenzyme Q10 deficiency, primary, 1. Review status: criteria provided, single submitter. Criteria: ACMG Guidelines, 2015. Collection method: clinical testing. Allele origin: germline.
Comment: Null variant in a gene where loss of function (LOF) is a known mechanism of disease.;Absent from controls (or at extremely low frequency if recessive) in Genome Aggregation Database.

NM_001358921.2(COQ2):c.628+1G>A

Gene: COQ2 (coenzyme Q2, polyprenyltransferase; minus strand). Cytogenetic location: 4q21.23.
Variant type: single nucleotide variant.
Coding change: c.628+1G>A on transcript NM_001358921.2 (MANE Select); the canonical splice donor site of the intron after coding-DNA position 628, G replaced by A.
Molecular consequence: splice donor variant.
Genome position (GRCh38, 1-based): chr4:83,272,086, C>T on the plus strand (G>A on the coding strand, the complement: COQ2 is on the minus strand). VCF-style: chr4-83272086-C-T. GRCh37 (hg19) VCF-style: chr4-84193239-C-T.
Other names: c.778+1G>A (NM_015697.9).
Identifiers: ClinVar variation 5006798 (VCV005006798.2).